The following is an entry in ClinVar:

NM_000179.3(MSH6):c.2013G>T (p.Leu671Phe)

Gene: MSH6 (mutS homolog 6; plus strand). Cytogenetic location: 2p16.3.
Variant type: single nucleotide variant.
Coding change: c.2013G>T on transcript NM_000179.3 (MANE Select); coding-DNA position 2013, G replaced by T.
Protein change: p.Leu671Phe; replaces leucine 671 with phenylalanine.
Molecular consequence: missense variant.
Genome position (GRCh38, 1-based): chr2:47,799,996, G>T. VCF-style: chr2-47799996-G-T. GRCh37 (hg19) VCF-style: chr2-48027135-G-T.
Other names: c.1623G>T, p.Leu541Phe (NM_001281492.2); c.1107G>T, p.Leu369Phe (NM_001281493.2, NM_001281494.2); short protein forms L671F, L541F, L369F.
Identifiers: ClinVar variation 455172 (VCV000455172.14), dbSNP rs765289515, ClinGen allele CA346750687.

ClinVar aggregate classification (germline): Uncertain significance. Review status: criteria provided, multiple submitters, no conflicts (2 of 4 stars). 4 submissions from 4 submitters: Uncertain significance (4). Last evaluated 2025-10-06.

Conditions:
Endometrial carcinoma. Also called: Endometrial carcinoma, somatic. Identifiers: MedGen C0476089, MONDO:0002447, OMIM 608089, HP:0012114.
Lynch syndrome 5 (LYNCH5). Also called: Hereditary non-polyposis colorectal cancer, type 5; Colorectal cancer, hereditary nonpolyposis, type 5. Identifiers: Orphanet 144, MedGen C1833477, MONDO:0013710, OMIM 614350. Disease mechanism: loss of function.
Mismatch repair cancer syndrome 3. Identifiers: MedGen C5436807, MONDO:0030841, OMIM 619097.
Hereditary nonpolyposis colorectal neoplasms. Identifiers: MedGen C0009405, MeSH D003123.
Hereditary cancer-predisposing syndrome. Also called: Hereditary Cancer Syndrome; Hereditary neoplastic syndrome; Neoplastic Syndromes, Hereditary; Tumor predisposition. Identifiers: Orphanet 140162, MedGen C0027672, MeSH D009386, MONDO:0015356.
Lynch syndrome. Identifiers: Orphanet 144, MedGen C4552100, MONDO:0005835. Disease mechanism: loss of function.

Submissions (4):

Ambry Genetics
Classification: Uncertain significance for Hereditary cancer-predisposing syndrome. Last evaluated: 2025-10-06. Review status: criteria provided, single submitter. Criteria: Ambry Variant Classification Scheme 2023. Collection method: clinical testing. Allele origin: germline.
Comment: The p.L671F variant (also known as c.2013G>T), located in coding exon 4 of the MSH6 gene, results from a G to T substitution at nucleotide position 2013. The leucine at codon 671 is replaced by phenylalanine, an amino acid with highly similar properties. This amino acid position is highly conserved in available vertebrate species. In addition, the in silico prediction for this alteration is inconclusive. Since supporting evidence is limited at this time, the clinical significance of this alteration remains unclear.

Labcorp Genetics (formerly Invitae), Labcorp
Classification: Uncertain significance for Hereditary nonpolyposis colorectal neoplasms. Last evaluated: 2024-10-26. Review status: criteria provided, single submitter. Criteria: Invitae Variant Classification Sherloc (09022015). Collection method: clinical testing. Allele origin: germline.
Comment: This sequence change replaces leucine, which is neutral and non-polar, with phenylalanine, which is neutral and non-polar, at codon 671 of the MSH6 protein (p.Leu671Phe). This variant is not present in population databases (gnomAD no frequency). This variant has not been reported in the literature in individuals affected with MSH6-related conditions. ClinVar contains an entry for this variant (Variation ID: 455172). Invitae Evidence Modeling of protein sequence and biophysical properties (such as structural, functional, and spatial information, amino acid conservation, physicochemical variation, residue mobility, and thermodynamic stability) indicates that this missense variant is not expected to disrupt MSH6 protein function with a negative predictive value of 95%. In summary, the available evidence is currently insufficient to determine the role of this variant in disease. Therefore, it has been classified as a Variant of Uncertain Significance.

All of Us Research Program, National Institutes of Health
Classification: Uncertain significance for Lynch syndrome. Last evaluated: 2024-08-06. Review status: criteria provided, single submitter. Criteria: ACMG Guidelines, 2015. Collection method: clinical testing. Allele origin: germline. Inheritance: Autosomal dominant inheritance. Observed: 1 variant allele, 1 heterozygote.
Comment: This study involves interpretation of variants in research participants for the purpose of population health screening. Participant phenotype was not available at the time of variant classification. Additional details can be found in publication PMID: 35346344, PMCID: PMC8962531

Fulgent Genetics
Classification: Uncertain significance for Endometrial carcinoma; Lynch syndrome 5; Mismatch repair cancer syndrome 3. Last evaluated: 2024-01-15. Review status: criteria provided, single submitter. Criteria: ACMG Guidelines, 2015. Collection method: clinical testing. Allele origin: germline.